The following is an entry in ClinVar:

NM_006019.4(TCIRG1):c.2273T>C (p.Ile758Thr)

Gene: TCIRG1 (T cell immune regulator 1, ATPase H+ transporting V0 subunit a3; plus strand). Cytogenetic location: 11q13.2.
Variant type: single nucleotide variant.
Coding change: c.2273T>C on transcript NM_006019.4 (MANE Select); coding-DNA position 2273, T replaced by C.
Protein change: p.Ile758Thr; replaces isoleucine 758 with threonine.
Molecular consequence: missense variant.
Genome position (GRCh38, 1-based): chr11:68,050,523, T>C. VCF-style: chr11-68050523-T-C. GRCh37 (hg19) VCF-style: chr11-67817990-T-C.
Other names: c.1379T>C, p.Ile460Thr (NM_001351059.2); c.1625T>C, p.Ile542Thr (NM_006053.4); short protein forms I460T, I542T, I758T.
Identifiers: ClinVar variation 3610422 (VCV003610422.2).
Genomic context (GRCh38, chr11:68,050,523, plus strand): 5'-CCCCACTGTCTCCTTTGCTTGCAGAGCTGTCCGAGGTTCTGTGGGCCATGGTGATGCGCA[T>C]AGGCCTGGGCCTGGGCCGGGAGGTGGGCGTGGCGGCTGTGGTGCTGGTCCCCATCTTTGC-3'
Protein context (NP_006010.2, residues 748-768): SEVLWAMVMR[Ile758Thr]GLGLGREVGV

ClinVar aggregate classification (germline): Uncertain significance (1 of 4 stars; one submission).

gnomAD v4.1: 3 of 1,613,694 alleles (0.00019%); highest among the groups gnomAD compares: Non-Finnish European, 0.00025%; no homozygotes.

Submission:

Labcorp Genetics (formerly Invitae), Labcorp
Classification: Uncertain significance. Last evaluated: 2024-09-27. Review status: criteria provided, single submitter. Criteria: Invitae Variant Classification Sherloc (09022015). Collection method: clinical testing. Allele origin: germline.
Comment: This sequence change replaces isoleucine, which is neutral and non-polar, with threonine, which is neutral and polar, at codon 758 of the TCIRG1 protein (p.Ile758Thr). This variant is not present in population databases (gnomAD no frequency). This variant has not been reported in the literature in individuals affected with TCIRG1-related conditions. Invitae Evidence Modeling of protein sequence and biophysical properties (such as structural, functional, and spatial information, amino acid conservation, physicochemical variation, residue mobility, and thermodynamic stability) indicates that this missense variant is not expected to disrupt TCIRG1 protein function with a negative predictive value of 80%. In summary, the available evidence is currently insufficient to determine the role of this variant in disease. Therefore, it has been classified as a Variant of Uncertain Significance.